The following is an entry in ClinVar:

ClinVar aggregate classification (germline): Uncertain significance (1 of 4 stars; one submission).

Conditions:
Thrombomodulin-related bleeding disorder (THPH12). Also called: Thrombophilia due to thrombomodulin defect. Identifiers: Orphanet 436169, MedGen C3280976, MONDO:0013775, OMIM 614486.

Submission:

Genomenon, Inc
Classification: Uncertain significance for Thrombomodulin-related bleeding disorder. Last evaluated: 2025-09-22. Review status: criteria provided, single submitter. Criteria: Genomenon Sequence Variant Interpretation Standards - Updated. Collection method: curation. Allele origin: germline. Affected: no.
Comment: THBD p.Glu375Lys (c.1123G>A) is a missense variant that changes the amino acid at residue 375 from Glutamic acid to Lysine. This variant has been reported in the published literature (PMID:12878585;12529320). It is absent or not present at a significant frequency in gnomAD. In conclusion, we classify THBD p.Glu375Lys (c.1123G>A) as a variant of unknown significance.

Literature cited by the submitters: PubMed 12878585; PubMed 12529320.

NM_000361.3(THBD):c.1123G>A (p.Glu375Lys)

Gene: THBD (thrombomodulin; minus strand). Cytogenetic location: 20p11.21.
Variant type: single nucleotide variant.
Coding change: c.1123G>A on transcript NM_000361.3 (MANE Select); coding-DNA position 1123, G replaced by A.
Protein change: p.Glu375Lys; replaces glutamic acid 375 with lysine.
Molecular consequence: missense variant.
Genome position (GRCh38, 1-based): chr20:23,048,382, C>T on the plus strand (G>A on the coding strand, the complement: THBD is on the minus strand). VCF-style: chr20-23048382-C-T. GRCh37 (hg19) VCF-style: chr20-23029019-C-T.
Other names: short protein forms E375K.
Identifiers: ClinVar variation 4280516 (VCV004280516.1).